The following is an entry in ClinVar:

NM_003054.6(SLC18A2):c.1153A>G (p.Ile385Val)

Gene: SLC18A2 (solute carrier family 18 member A2; plus strand). Cytogenetic location: 10q25.3.
Variant type: single nucleotide variant.
Coding change: c.1153A>G on transcript NM_003054.6 (MANE Select); coding-DNA position 1153, A replaced by G.
Protein change: p.Ile385Val; replaces isoleucine 385 with valine.
Molecular consequence: missense variant.
Genome position (GRCh38, 1-based): chr10:117,267,703, A>G. VCF-style: chr10-117267703-A-G. GRCh37 (hg19) VCF-style: chr10-119027214-A-G.
Other names: short protein forms I385V.
Identifiers: ClinVar variation 1444550 (VCV001444550.5), dbSNP rs748987139, ClinGen allele CA5710582.

ClinVar aggregate classification (germline): Uncertain significance (1 of 4 stars; one submission).

Allele frequency attached by ClinVar (database versions not stated): gnomAD 0.00001; TOPMed 0.00001; ExAC 0.00002; gnomAD exomes 0.00002.
gnomAD v4.1: 33 of 1,570,354 alleles (0.0021%); highest among the groups gnomAD compares: Non-Finnish European, 0.0028%; no homozygotes.

Submission:

Labcorp Genetics (formerly Invitae), Labcorp
Classification: Uncertain significance. Last evaluated: 2021-09-01. Review status: criteria provided, single submitter. Criteria: Invitae Variant Classification Sherloc (09022015). Collection method: clinical testing. Allele origin: germline.
Comment: This sequence change replaces isoleucine with valine at codon 385 of the SLC18A2 protein (p.Ile385Val). The isoleucine residue is highly conserved and there is a small physicochemical difference between isoleucine and valine. This variant is present in population databases (rs748987139, ExAC 0.005%). This variant has not been reported in the literature in individuals affected with SLC18A2-related conditions. Algorithms developed to predict the effect of missense changes on protein structure and function are either unavailable or do not agree on the potential impact of this missense change (SIFT: "Deleterious"; PolyPhen-2: "Benign"; Align-GVGD: "Class C0"). In summary, the available evidence is currently insufficient to determine the role of this variant in disease. Therefore, it has been classified as a Variant of Uncertain Significance.